The following is an entry in ClinVar:

NM_002637.4(PHKA1):c.3116G>A (p.Ser1039Asn)

Gene: PHKA1 (phosphorylase kinase regulatory subunit alpha 1; minus strand). Cytogenetic location: Xq13.1.
Variant type: single nucleotide variant.
Coding change: c.3116G>A on transcript NM_002637.4 (MANE Select); coding-DNA position 3116, G replaced by A.
Protein change: p.Ser1039Asn; replaces serine 1039 with asparagine.
Molecular consequence: missense variant.
Genome position (GRCh38, 1-based): chrX:72,593,231, C>T on the plus strand (G>A on the coding strand, the complement: PHKA1 is on the minus strand). VCF-style: chrX-72593231-C-T. GRCh37 (hg19) VCF-style: chrX-71813081-C-T.
Other names: c.3077G>A, p.Ser1026Asn (NM_001122670.2); c.2900G>A, p.Ser967Asn (NM_001172436.2); short protein forms S1026N, S1039N, S967N.
Identifiers: ClinVar variation 2712081 (VCV002712081.3), dbSNP rs1556228505, ClinGen allele CA413585185.

ClinVar aggregate classification (germline): Uncertain significance (1 of 4 stars; one submission).

Conditions:
Glycogen storage disease IXd (GSD9D). Also called: GSD IXd; Muscle Phosphorylase Kinase Deficiency. Identifiers: Orphanet 715, MedGen C1845151, MONDO:0010362, OMIM 300559.

Allele frequency attached by ClinVar (database versions not stated): gnomAD exomes below 0.00001; TOPMed 0.00001.
gnomAD v4.1: 6 of 1,205,151 alleles (0.0005%); highest among the groups gnomAD compares: Middle Eastern, 0.092%; no homozygotes.

Submission:

Labcorp Genetics (formerly Invitae), Labcorp
Classification: Uncertain significance for Glycogen storage disease IXd. Last evaluated: 2025-06-02. Review status: criteria provided, single submitter. Criteria: Invitae Variant Classification Sherloc (09022015). Collection method: clinical testing. Allele origin: germline.
Comment: This sequence change replaces serine, which is neutral and polar, with asparagine, which is neutral and polar, at codon 1039 of the PHKA1 protein (p.Ser1039Asn). This variant is present in population databases (no rsID available, gnomAD 0.001%). This variant has not been reported in the literature in individuals affected with PHKA1-related conditions. ClinVar contains an entry for this variant (Variation ID: 2712081). An algorithm developed to predict the effect of missense changes on protein structure and function (PolyPhen-2) suggests that this variant is likely to be tolerated. In summary, the available evidence is currently insufficient to determine the role of this variant in disease. Therefore, it has been classified as a Variant of Uncertain Significance.